The following is an entry in ClinVar:

ClinVar aggregate classification (germline): Likely benign (1 of 4 stars; one submission).

Conditions:
ACOX2-related disorder. Also called: ACOX2-related condition.

Submission:

PreventionGenetics, part of Exact Sciences
Classification: Likely benign for ACOX2-related condition. Last evaluated: 2025-03-22. Review status: criteria provided, single submitter. Criteria: ACMG Guidelines, 2015. Collection method: clinical testing. Allele origin: germline.
Comment: This variant is classified as likely benign based on ACMG/AMP sequence variant interpretation guidelines (Richards et al. 2015 PMID: 25741868, with internal and published modifications).

NM_003500.4(ACOX2):c.915C>T (p.Ile305=)

Gene: ACOX2 (acyl-CoA oxidase 2; minus strand). Cytogenetic location: 3p14.3.
Variant type: single nucleotide variant.
Coding change: c.915C>T on transcript NM_003500.4 (MANE Select); coding-DNA position 915, C replaced by T.
Protein change: p.Ile305=; no amino-acid change (isoleucine 305 retained).
Molecular consequence: synonymous variant.
Genome position (GRCh38, 1-based): chr3:58,530,543, G>A on the plus strand (C>T on the coding strand, the complement: ACOX2 is on the minus strand). VCF-style: chr3-58530543-G-A. GRCh37 (hg19) VCF-style: chr3-58516270-G-A.
Identifiers: ClinVar variation 4982388 (VCV004982388.1).